The following is an entry in ClinVar:

ClinVar aggregate classification (germline): Uncertain significance (1 of 4 stars; one submission).

Submission:

Labcorp Genetics (formerly Invitae), Labcorp
Classification: Uncertain significance. Last evaluated: 2021-09-01. Review status: criteria provided, single submitter. Criteria: Invitae Variant Classification Sherloc (09022015). Collection method: clinical testing. Allele origin: germline.
Comment: This sequence change replaces cysteine with arginine at codon 1864 of the MYO7A protein (p.Cys1864Arg). The cysteine residue is moderately conserved and there is a large physicochemical difference between cysteine and arginine. This variant is not present in population databases (ExAC no frequency). This variant has not been reported in the literature in individuals affected with MYO7A-related conditions. Algorithms developed to predict the effect of missense changes on protein structure and function (SIFT, PolyPhen-2, Align-GVGD) all suggest that this variant is likely to be tolerated. In summary, the available evidence is currently insufficient to determine the role of this variant in disease. Therefore, it has been classified as a Variant of Uncertain Significance.

NM_000260.4(MYO7A):c.5590T>C (p.Cys1864Arg)

Gene: MYO7A (myosin VIIA; plus strand). Cytogenetic location: 11q13.5.
Variant type: single nucleotide variant.
Coding change: c.5590T>C on transcript NM_000260.4 (MANE Select); coding-DNA position 5590, T replaced by C.
Protein change: p.Cys1864Arg; replaces cysteine 1864 with arginine.
Molecular consequence: missense variant.
Genome position (GRCh38, 1-based): chr11:77,205,571, T>C. VCF-style: chr11-77205571-T-C. GRCh37 (hg19) VCF-style: chr11-76916616-T-C.
Other names: c.5476T>C, p.Cys1826Arg (NM_001127180.2); c.5443T>C, p.Cys1815Arg (NM_001369365.1); short protein forms C1815R, C1826R, C1864R.
Identifiers: ClinVar variation 954097 (VCV000954097.4), dbSNP rs1957391864, ClinGen allele CA381953062.